The following is an entry in ClinVar:

NM_002471.4(MYH6):c.2533G>T (p.Ala845Ser)

Gene: MYH6 (myosin heavy chain 6; minus strand). Cytogenetic location: 14q11.2.
Variant type: single nucleotide variant.
Coding change: c.2533G>T on transcript NM_002471.4 (MANE Select); coding-DNA position 2533, G replaced by T.
Protein change: p.Ala845Ser; replaces alanine 845 with serine.
Molecular consequence: missense variant.
Genome position (GRCh38, 1-based): chr14:23,394,220, C>A on the plus strand (G>T on the coding strand, the complement: MYH6 is on the minus strand). VCF-style: chr14-23394220-C-A. GRCh37 (hg19) VCF-style: chr14-23863429-C-A.
Other names: short protein forms A845S.
Identifiers: ClinVar variation 3222330 (VCV003222330.1), dbSNP rs989813600, ClinGen allele CA389014433.

ClinVar aggregate classification (germline): Uncertain significance (1 of 4 stars; one submission).

Conditions:
Cardiovascular phenotype. Identifiers: MedGen CN230736.

Submission:

Ambry Genetics
Classification: Uncertain significance for Cardiovascular phenotype. Last evaluated: 2023-11-29. Review status: criteria provided, single submitter. Criteria: Ambry Variant Classification Scheme 2023. Collection method: clinical testing. Allele origin: germline.
Comment: The p.A845S variant (also known as c.2533G>T), located in coding exon 19 of the MYH6 gene, results from a G to T substitution at nucleotide position 2533. The alanine at codon 845 is replaced by serine, an amino acid with similar properties. This amino acid position is conserved. In addition, the in silico prediction for this alteration is inconclusive. Since supporting evidence is limited at this time, the clinical significance of this alteration remains unclear.